The following is an entry in ClinVar:

ClinVar aggregate classification (germline): Uncertain significance (1 of 4 stars; one submission).

Allele frequency attached by ClinVar (database versions not stated): gnomAD exomes 0.00001 and 0.00003; ExAC 0.00002; TOPMed 0.00002.
gnomAD v4.1: 12 of 1,614,154 alleles (0.00074%); highest among the groups gnomAD compares: Admixed American, 0.013%; no homozygotes.

Submission:

Labcorp Genetics (formerly Invitae), Labcorp
Classification: Uncertain significance. Last evaluated: 2026-01-06. Review status: criteria provided, single submitter. Criteria: Invitae Variant Classification Sherloc (09022015). Collection method: clinical testing. Allele origin: germline.
Comment: This sequence change replaces arginine, which is basic and polar, with glycine, which is neutral and non-polar, at codon 1141 of the ERBIN protein (p.Arg1141Gly). This variant is present in population databases (rs763437507, gnomAD 0.01%). This variant has not been reported in the literature in individuals affected with ERBIN-related conditions. ClinVar contains an entry for this variant (Variation ID: 1492290). An algorithm developed to predict the effect of missense changes on protein structure and function (PolyPhen-2) suggests that this variant is likely to be disruptive. In summary, the available evidence is currently insufficient to determine the role of this variant in disease. Therefore, it has been classified as a Variant of Uncertain Significance.

NM_001253697.2(ERBIN):c.3421A>G (p.Arg1141Gly)

Gene: ERBIN (erbb2 interacting protein; plus strand). Cytogenetic location: 5q12.3.
Variant type: single nucleotide variant.
Coding change: c.3421A>G on transcript NM_001253697.2 (MANE Select); coding-DNA position 3421, A replaced by G.
Protein change: p.Arg1141Gly; replaces arginine 1141 with glycine.
Molecular consequence: missense variant.
Genome position (GRCh38, 1-based): chr5:66,054,739, A>G. VCF-style: chr5-66054739-A-G. GRCh37 (hg19) VCF-style: chr5-65350567-A-G.
Other names: c.3421A>G, p.Arg1141Gly (NM_001006600.3, NM_001253698.2, NM_001253699.2 and 1 more transcripts); c.3409A>G, p.Arg1137Gly (NM_001253701.2); short protein forms R1137G, R1141G.
Identifiers: ClinVar variation 1492290 (VCV001492290.8), dbSNP rs763437507, ClinGen allele CA3286656.